The following is an entry in ClinVar:

ClinVar aggregate classification (germline): Conflicting classifications of pathogenicity. Review status: criteria provided, conflicting classifications (1 of 4 stars). 3 submissions from 3 submitters: Uncertain significance (2); Likely benign (1). Last evaluated 2025-12-15.

Conditions:
PCNT-related disorder. Also called: PCNT-related condition.
Inborn genetic diseases. Identifiers: MedGen C0950123, MeSH D030342.

Allele frequency attached by ClinVar (database versions not stated): gnomAD 0.00003 and 0.00004; TOPMed 0.00003; ESP Exome Variant Server 0.00008.
gnomAD v4.1: 29 of 1,613,856 alleles (0.0018%); highest among the groups gnomAD compares: Admixed American, 0.0033%; no homozygotes.

Submissions (3):

PreventionGenetics, part of Exact Sciences
Classification: Uncertain significance for PCNT-related condition. Last evaluated: 2025-12-15. Review status: criteria provided, single submitter. Criteria: ACMG Guidelines, 2015. Collection method: clinical testing. Allele origin: germline.
Comment: The PCNT c.8888C>T variant is predicted to result in the amino acid substitution p.Ser2963Leu. To our knowledge, this variant has not been reported in the literature. This variant is reported in 0.0071% of alleles in individuals of European (Non-Finnish) descent in gnomAD. At this time, the clinical significance of this variant is uncertain due to the absence of conclusive functional and genetic evidence.

Ambry Genetics
Classification: Likely benign for Inborn genetic diseases. Last evaluated: 2025-07-16. Review status: criteria provided, single submitter. Criteria: Ambry Variant Classification Scheme 2023. Collection method: clinical testing. Allele origin: germline.

Labcorp Genetics (formerly Invitae), Labcorp
Classification: Uncertain significance. Last evaluated: 2024-06-17. Review status: criteria provided, single submitter. Criteria: Invitae Variant Classification Sherloc (09022015). Collection method: clinical testing. Allele origin: germline.
Comment: This sequence change replaces serine, which is neutral and polar, with leucine, which is neutral and non-polar, at codon 2963 of the PCNT protein (p.Ser2963Leu). This variant is present in population databases (rs374903045, gnomAD 0.009%). This variant has not been reported in the literature in individuals affected with PCNT-related conditions. ClinVar contains an entry for this variant (Variation ID: 1447328). Algorithms developed to predict the effect of missense changes on protein structure and function output the following: SIFT: "Not Available"; PolyPhen-2: "Benign"; Align-GVGD: "Not Available". The leucine amino acid residue is found in multiple mammalian species, which suggests that this missense change does not adversely affect protein function. In summary, the available evidence is currently insufficient to determine the role of this variant in disease. Therefore, it has been classified as a Variant of Uncertain Significance.

NM_006031.6(PCNT):c.8888C>T (p.Ser2963Leu)

Gene: PCNT (pericentrin; plus strand). Cytogenetic location: 21q22.3.
Variant type: single nucleotide variant.
Coding change: c.8888C>T on transcript NM_006031.6 (MANE Select); coding-DNA position 8888, C replaced by T.
Protein change: p.Ser2963Leu; replaces serine 2963 with leucine.
Molecular consequence: missense variant.
Genome position (GRCh38, 1-based): chr21:46,436,040, C>T. VCF-style: chr21-46436040-C-T. GRCh37 (hg19) VCF-style: chr21-47855953-C-T.
Other names: c.8888C>T (NM_006031.5); c.8297C>T, p.Ser2766Leu (NM_001315529.2); short protein forms S2766L, S2963L.
Identifiers: ClinVar variation 1447328 (VCV001447328.12), dbSNP rs374903045, ClinGen allele CA10081111.